The following is an entry in ClinVar:

ClinVar aggregate classification (germline): Uncertain significance. Review status: criteria provided, multiple submitters, no conflicts (2 of 4 stars). 2 submissions from 2 submitters: Uncertain significance (2). Last evaluated 2023-10-05.

Conditions:
Inborn genetic diseases. Identifiers: MedGen C0950123, MeSH D030342.

Allele frequency attached by ClinVar (database versions not stated): gnomAD 0.00001.

Submissions (2):

Ambry Genetics
Classification: Uncertain significance for Inborn genetic diseases. Last evaluated: 2023-10-05. Review status: criteria provided, single submitter. Criteria: Ambry Variant Classification Scheme 2023. Collection method: clinical testing. Allele origin: germline.

Labcorp Genetics (formerly Invitae), Labcorp
Classification: Uncertain significance. Last evaluated: 2023-06-19. Review status: criteria provided, single submitter. Criteria: Invitae Variant Classification Sherloc (09022015). Collection method: clinical testing. Allele origin: germline.
Comment: In summary, the available evidence is currently insufficient to determine the role of this variant in disease. Therefore, it has been classified as a Variant of Uncertain Significance. Advanced modeling of protein sequence and biophysical properties (such as structural, functional, and spatial information, amino acid conservation, physicochemical variation, residue mobility, and thermodynamic stability) performed at Invitae indicates that this missense variant is expected to disrupt RBBP8 protein function. ClinVar contains an entry for this variant (Variation ID: 1463881). This variant has not been reported in the literature in individuals affected with RBBP8-related conditions. This variant is present in population databases (rs764427590, gnomAD 0.006%). This sequence change replaces proline, which is neutral and non-polar, with leucine, which is neutral and non-polar, at codon 659 of the RBBP8 protein (p.Pro659Leu).

NM_002894.3(RBBP8):c.1976C>T (p.Pro659Leu)

Gene: RBBP8 (RB binding protein 8, endonuclease; plus strand). Cytogenetic location: 18q11.2.
Variant type: single nucleotide variant.
Coding change: c.1976C>T on transcript NM_002894.3 (MANE Select); coding-DNA position 1976, C replaced by T.
Protein change: p.Pro659Leu; replaces proline 659 with leucine.
Molecular consequence: missense variant.
Genome position (GRCh38, 1-based): chr18:22,996,410, C>T. VCF-style: chr18-22996410-C-T. GRCh37 (hg19) VCF-style: chr18-20576373-C-T.
Other names: c.1976C>T, p.Pro659Leu (NM_203291.2, NM_203292.2); c.1976C>T (NM_002894.2); short protein forms P659L.
Identifiers: ClinVar variation 1463881 (VCV001463881.7), dbSNP rs764427590, ClinGen allele CA8910203.